The following is an entry in ClinVar:

ClinVar aggregate classification (germline): Uncertain significance (1 of 4 stars; one submission).

Submission:

Labcorp Genetics (formerly Invitae), Labcorp
Classification: Uncertain significance. Last evaluated: 2025-02-17. Review status: criteria provided, single submitter. Criteria: Invitae Variant Classification Sherloc (09022015). Collection method: clinical testing. Allele origin: germline.
Comment: This sequence change replaces serine, which is neutral and polar, with cysteine, which is neutral and slightly polar, at codon 2670 of the FBN3 protein (p.Ser2670Cys). This variant is not present in population databases (gnomAD no frequency). This variant has not been reported in the literature in individuals affected with FBN3-related conditions. ClinVar contains an entry for this variant (Variation ID: 1717831). Invitae Evidence Modeling of protein sequence and biophysical properties (such as structural, functional, and spatial information, amino acid conservation, physicochemical variation, residue mobility, and thermodynamic stability) indicates that this missense variant is not expected to disrupt FBN3 protein function with a negative predictive value of 80%. In summary, the available evidence is currently insufficient to determine the role of this variant in disease. Therefore, it has been classified as a Variant of Uncertain Significance.

NM_032447.5(FBN3):c.8009C>G (p.Ser2670Cys)

Gene: FBN3 (fibrillin 3; minus strand). Cytogenetic location: 19p13.2.
Variant type: single nucleotide variant.
Coding change: c.8009C>G on transcript NM_032447.5 (MANE Select); coding-DNA position 8009, C replaced by G.
Protein change: p.Ser2670Cys; replaces serine 2670 with cysteine.
Molecular consequence: missense variant.
Genome position (GRCh38, 1-based): chr19:8,072,127, G>C on the plus strand (C>G on the coding strand, the complement: FBN3 is on the minus strand). VCF-style: chr19-8072127-G-C. GRCh37 (hg19) VCF-style: chr19-8137011-G-C.
Other names: c.8009C>G, p.Ser2670Cys (NM_001321431.2); short protein forms S2670C.
Identifiers: ClinVar variation 1717831 (VCV001717831.5), dbSNP rs2512522656, ClinGen allele CA403696006.